The following is an entry in ClinVar:

ClinVar aggregate classification (germline): Uncertain significance (1 of 4 stars; one submission).

Submission:

Labcorp Genetics (formerly Invitae), Labcorp
Classification: Uncertain significance. Last evaluated: 2023-11-07. Review status: criteria provided, single submitter. Criteria: Invitae Variant Classification Sherloc (09022015). Collection method: clinical testing. Allele origin: germline.
Comment: This sequence change replaces valine, which is neutral and non-polar, with glycine, which is neutral and non-polar, at codon 611 of the DUOX2 protein (p.Val611Gly). This variant is not present in population databases (gnomAD no frequency). This variant has not been reported in the literature in individuals affected with DUOX2-related conditions. An algorithm developed to predict the effect of missense changes on protein structure and function (PolyPhen-2) suggests that this variant is likely to be tolerated. In summary, the available evidence is currently insufficient to determine the role of this variant in disease. Therefore, it has been classified as a Variant of Uncertain Significance.

NM_001363711.2(DUOX2):c.1832T>G (p.Val611Gly)

Gene: DUOX2 (dual oxidase 2; minus strand). Cytogenetic location: 15q21.1.
Variant type: single nucleotide variant.
Coding change: c.1832T>G on transcript NM_001363711.2 (MANE Select); coding-DNA position 1832, T replaced by G.
Protein change: p.Val611Gly; replaces valine 611 with glycine.
Molecular consequence: missense variant.
Genome position (GRCh38, 1-based): chr15:45,106,641, A>C on the plus strand (T>G on the coding strand, the complement: DUOX2 is on the minus strand). VCF-style: chr15-45106641-A-C. GRCh37 (hg19) VCF-style: chr15-45398839-A-C.
Other names: c.1832T>G, p.Val611Gly (NM_014080.5); short protein forms V611G.
Identifiers: ClinVar variation 2728567 (VCV002728567.3), dbSNP rs952067840, ClinGen allele CA392274158.